The following is an entry in ClinVar:

Conditions:
Breast-ovarian cancer, familial, susceptibility to, 1 (BROVCA1). Also called: BRCA1 Hereditary Breast and Ovarian Cancer; OVARIAN CANCER, SUSCEPTIBILITY TO. Identifiers: Orphanet 145, MedGen C2676676, MONDO:0011450, OMIM 604370. Disease mechanism: loss of function.

Submission:

Brotman Baty Institute, University of Washington
No classification provided (evidence only). Condition: Breast-ovarian cancer, familial 1. Review status: no classification provided. Collection method: in vitro. Allele origin: not applicable. Functional consequence: functionally_normal.
ClinVar note: "not provided" was previously submitted as the classification for the variant. However, the classification appeared to be based only on an observation of functional data so it was converted to no classification on 2025-07-30.

NM_007294.4(BRCA1):c.4967G>C (p.Gly1656Ala)

Gene: BRCA1 (BRCA1 DNA repair associated; minus strand). Cytogenetic location: 17q21.31.
Variant type: single nucleotide variant.
Coding change: c.4967G>C on transcript NM_007294.4 (MANE Select); coding-DNA position 4967, G replaced by C.
Protein change: p.Gly1656Ala; replaces glycine 1656 with alanine.
Molecular consequence: missense variant. On other transcripts: non-coding transcript variant (1).
Genome position (GRCh38, 1-based): chr17:43,070,947, C>G on the plus strand (G>C on the coding strand, the complement: BRCA1 is on the minus strand). VCF-style: chr17-43070947-C-G. GRCh37 (hg19) VCF-style: chr17-41222964-C-G.
Other names: c.4754G>C, p.Gly1585Ala (NM_001407571.1, NM_001407900.1, NM_001407902.1 and 12 more transcripts); c.5033G>C, p.Gly1678Ala (NM_001407581.1, NM_001407582.1); c.5030G>C, p.Gly1677Ala (NM_001407583.1, NM_001407585.1, NM_001407587.1 and 1 more transcripts); c.4964G>C, p.Gly1655Ala (NM_001407610.1, NM_001407611.1, NM_001407612.1 and 17 more transcripts); c.4961G>C, p.Gly1654Ala (NM_001407629.1, NM_001407630.1, NM_001407631.1 and 14 more transcripts); c.4907G>C, p.Gly1636Ala (NM_001407649.1); c.4967G>C, p.Gly1656Ala (NM_001407652.1, NM_001407593.1, NM_001407594.1 and 8 more transcripts); c.4889G>C, p.Gly1630Ala (NM_001407653.1, NM_001407654.1, NM_001407655.1); and 70 more; short protein forms G1609A, G1656A, G552A, G1677A, G1360A, G1529A, G1544A, G1584A.
Identifiers: ClinVar variation 868878 (VCV000868878.3), dbSNP rs80357414, ClinGen allele CA10591591.